The following is an entry in ClinVar:

ClinVar aggregate classification (germline): Likely benign. Review status: criteria provided, multiple submitters, no conflicts (2 of 4 stars). 2 submissions from 2 submitters: Likely benign (2). Last evaluated 2025-04-08.

Conditions:
Sulfite oxidase deficiency due to molybdenum cofactor deficiency type C. Also called: Molybdenum cofactor deficiency, complementation group C; Molybdenum cofactor deficiency C. Identifiers: Orphanet 308400, Orphanet 833, MedGen C1854990, MONDO:0014212, OMIM 615501.

Allele frequency attached by ClinVar (database versions not stated): ExAC 0.00003; TOPMed 0.00003; gnomAD 0.00004; gnomAD exomes 0.00003 and 0.00008.
gnomAD v4.1: 126 of 1,604,870 alleles (0.0079%); highest among the groups gnomAD compares: Non-Finnish European, 0.0098%; no homozygotes.

Submissions (2):

Mayo Clinic Laboratories, Mayo Clinic
Classification: Likely benign. Last evaluated: 2025-04-08. Review status: criteria provided, single submitter. Criteria: ACMG Guidelines, 2015. Collection method: clinical testing. Allele origin: germline. Observed: 1 variant allele.
Comment: BP4, BP7

Labcorp Genetics (formerly Invitae), Labcorp
Classification: Likely benign for Sulfite oxidase deficiency due to molybdenum cofactor deficiency type C. Last evaluated: 2024-07-01. Review status: criteria provided, single submitter. Criteria: Invitae Variant Classification Sherloc (09022015). Collection method: clinical testing. Allele origin: germline.

NM_020806.5(GPHN):c.369A>G (p.Thr123=)

Gene: GPHN (gephyrin; plus strand). Cytogenetic location: 14q23.3.
Variant type: single nucleotide variant.
Coding change: c.369A>G on transcript NM_020806.5 (MANE Select); coding-DNA position 369, A replaced by G.
Protein change: p.Thr123=; no amino-acid change (threonine 123 retained).
Molecular consequence: synonymous variant.
Genome position (GRCh38, 1-based): chr14:66,880,013, A>G. VCF-style: chr14-66880013-A-G. GRCh37 (hg19) VCF-style: chr14-67346731-A-G.
Other names: p.Thr123=; c.369A>G, p.Thr123= (NM_001024218.2, NM_001377515.1, NM_001377516.1 and 2 more transcripts); c.408A>G, p.Thr136= (NM_001377514.1, NM_001377519.1).
Identifiers: ClinVar variation 713844 (VCV000713844.9), dbSNP rs767272331, ClinGen allele CA7233732.
Genomic context (GRCh38, chr14:66,880,013, plus strand): 5'-AATAGAACGGGAAGCACCAGGGATGGCCCTGGCAATGCTGATGGGATCACTTAATGTTAC[A>G]CCTCTGGGCATGCTCTCTAGGTAAGAAAGTCACCAACATGTTGCAAACCATTTGCTAGGT-3'
Protein context (NP_065857.1, residues 113-133): LAMLMGSLNV[Thr123=]PLGMLSRPVC